The following is an entry in ClinVar:

ClinVar aggregate classification (germline): Likely pathogenic (1 of 4 stars; one submission).

Submission:

Clinical Genomics Laboratory, Laboratory for Precision Diagnostics, University of Washington
Classification: Likely pathogenic. Last evaluated: 2018-10-05. Review status: criteria provided, single submitter. Criteria: Clinical Cytogenomics Laboratory Policy on CNV Interpretation. Collection method: clinical testing. Allele origin: paternal. Affected: yes. Observed: 1 variant allele.

Literature cited by the submitters: PubMed 26278718.

GRCh37/hg19 22q11.21(chr22:21062566-21463730)x1

Genes: PI4KA (phosphatidylinositol 4-kinase alpha; minus strand), SERPIND1 (serpin family D member 1; plus strand), SLC7A4 (solute carrier family 7 member 4; minus strand), AIFM3 (AIF family member 3; plus strand), CRKL (CRK like proto-oncogene, adaptor protein; plus strand) and 4 more. Cytogenetic location: 22q11.21.
Variant type: copy number loss.
Change: copy number 1 (one copy instead of two) of chr22:21,062,566-21,463,730 (401.2 kb, GRCh37 coordinates, 1-based), cytogenetic band 22q11.21.
Identifiers: ClinVar variation 638120 (VCV000638120.2).